The following is an entry in ClinVar:

ClinVar aggregate classification (germline): Uncertain significance (1 of 4 stars; one submission).

Conditions:
Ullrich congenital muscular dystrophy 2 (UCMD2). Identifiers: Orphanet 75840, MedGen C4225314, MONDO:0014654, OMIM 616470.
Bethlem myopathy 2 (BTHLM2). Identifiers: Orphanet 536516, Orphanet 610, MedGen C4225313, MONDO:0034022, OMIM 616471.

Allele frequency attached by ClinVar (database versions not stated): gnomAD 0.00001; ESP Exome Variant Server 0.00008; TOPMed below 0.00001; ExAC 0.00001; gnomAD exomes below 0.00001.
gnomAD v4.1: 3 of 1,613,674 alleles (0.00019%); highest among the groups gnomAD compares: Non-Finnish European, 0.00017%; no homozygotes.

Submission:

Labcorp Genetics (formerly Invitae), Labcorp
Classification: Uncertain significance for Bethlem myopathy 2; Ullrich congenital muscular dystrophy 2. Last evaluated: 2025-11-28. Review status: criteria provided, single submitter. Criteria: Invitae Variant Classification Sherloc (09022015). Collection method: clinical testing. Allele origin: germline.
Comment: This sequence change replaces tyrosine, which is neutral and polar, with cysteine, which is neutral and slightly polar, at codon 1783 of the COL12A1 protein (p.Tyr1783Cys). This variant is present in population databases (rs368526865, gnomAD 0.0009%). This variant has not been reported in the literature in individuals affected with COL12A1-related conditions. ClinVar contains an entry for this variant (Variation ID: 658343). Invitae Evidence Modeling of protein sequence and biophysical properties (such as structural, functional, and spatial information, amino acid conservation, physicochemical variation, residue mobility, and thermodynamic stability) indicates that this missense variant is expected to disrupt COL12A1 protein function with a positive predictive value of 80%. In summary, the available evidence is currently insufficient to determine the role of this variant in disease. Therefore, it has been classified as a Variant of Uncertain Significance.

NM_004370.6(COL12A1):c.5348A>G (p.Tyr1783Cys)

Gene: COL12A1 (collagen type XII alpha 1 chain; minus strand). Cytogenetic location: 6q13.
Variant type: single nucleotide variant.
Coding change: c.5348A>G on transcript NM_004370.6 (MANE Select); coding-DNA position 5348, A replaced by G.
Protein change: p.Tyr1783Cys; replaces tyrosine 1783 with cysteine.
Molecular consequence: missense variant.
Genome position (GRCh38, 1-based): chr6:75,137,483, T>C on the plus strand (A>G on the coding strand, the complement: COL12A1 is on the minus strand). VCF-style: chr6-75137483-T-C. GRCh37 (hg19) VCF-style: chr6-75847199-T-C.
Other names: c.1856A>G, p.Tyr619Cys (NM_080645.3); short protein forms Y619C, Y1783C.
Identifiers: ClinVar variation 658343 (VCV000658343.11), dbSNP rs368526865, ClinGen allele CA3893159.
Genomic context (GRCh38, chr6:75,137,483, plus strand): 5'-TATTAAAAAATTACCGTTTGCTCATTGCCTTCCCCTGTGGAAGGCTGATAAGTGATCCTA[T>C]ATTTCTGCACACGACCACTAGCAGGATCCCACTTAACAGTCAGGCTGTTAGATGTTGCAT-3'
Protein context (NP_004361.3, residues 1773-1793): WDPASGRVQK[Tyr1783Cys]RITYQPSTGE